The following is an entry in ClinVar:

ClinVar aggregate classification (germline): Uncertain significance. Review status: criteria provided, multiple submitters, no conflicts (2 of 4 stars). 2 submissions from 2 submitters: Uncertain significance (2). Last evaluated 2024-03-28.

Conditions:
Telangiectasia, hereditary hemorrhagic, type 2 (HHT2). Also called: Telangiectasia, hereditary hemorrhagic, type II; ACVRL1-Related Hereditary Hemorrhagic Telangiectasia. Identifiers: Orphanet 774, MedGen C1838163, MONDO:0010880, OMIM 600376. Disease mechanism: loss of function.
Heritable pulmonary arterial hypertension. Identifiers: Orphanet 275777, MedGen C0340543, MONDO:0017148.

Allele frequency attached by ClinVar (database versions not stated): gnomAD 0.00001; TOPMed 0.00002; ExAC 0.00005; gnomAD exomes 0.00006.

Submissions (2):

KardioGenetik, Herz- und Diabeteszentrum NRW
Classification: Uncertain significance for Heritable pulmonary arterial hypertension. Last evaluated: 2024-03-28. Review status: criteria provided, single submitter. Criteria: ACMG Guidelines, 2015. Collection method: clinical testing. Allele origin: unknown. Observed: 1 variant allele.

Labcorp Genetics (formerly Invitae), Labcorp
Classification: Uncertain significance for Telangiectasia, hereditary hemorrhagic, type 2. Last evaluated: 2023-07-25. Review status: criteria provided, single submitter. Criteria: Invitae Variant Classification Sherloc (09022015). Collection method: clinical testing. Allele origin: germline.
Comment: In summary, the available evidence is currently insufficient to determine the role of this variant in disease. Therefore, it has been classified as a Variant of Uncertain Significance. Advanced modeling of protein sequence and biophysical properties (such as structural, functional, and spatial information, amino acid conservation, physicochemical variation, residue mobility, and thermodynamic stability) performed at Invitae indicates that this missense variant is expected to disrupt ACVRL1 protein function. This missense change has been observed in individual(s) with pulmonary arterial hypertension (PMID: 31727138). This variant is present in population databases (rs766559713, gnomAD 0.01%). This sequence change replaces arginine, which is basic and polar, with tryptophan, which is neutral and slightly polar, at codon 241 of the ACVRL1 protein (p.Arg241Trp).

Literature cited by the submitters: PubMed 31727138 (cited by Labcorp Genetics (formerly Invitae), Labcorp).

NM_000020.3(ACVRL1):c.721C>T (p.Arg241Trp)

Gene: ACVRL1 (activin A receptor like type 1; plus strand). Cytogenetic location: 12q13.13.
Variant type: single nucleotide variant.
Coding change: c.721C>T on transcript NM_000020.3 (MANE Select); coding-DNA position 721, C replaced by T.
Protein change: p.Arg241Trp; replaces arginine 241 with tryptophan.
Molecular consequence: missense variant.
Genome position (GRCh38, 1-based): chr12:51,914,534, C>T. VCF-style: chr12-51914534-C-T. GRCh37 (hg19) VCF-style: chr12-52308318-C-T.
Other names: c.721C>T, p.Arg241Trp (NM_001077401.2, NM_001406487.1, NM_001406488.1 and 1 more transcripts); c.409C>T, p.Arg137Trp (NM_001406490.1, NM_001406491.1, NM_001406492.1 and 2 more transcripts); c.157C>T, p.Arg53Trp (NM_001406495.1); short protein forms R241W, R53W, R137W.
Identifiers: ClinVar variation 3021298 (VCV003021298.2), dbSNP rs766559713, ClinGen allele CA6572976.